The following is an entry in ClinVar:

NM_015627.3(LDLRAP1):c.367A>G (p.Lys123Glu)

Gene: LDLRAP1 (low density lipoprotein receptor adaptor protein 1; plus strand). Cytogenetic location: 1p36.11.
Variant type: single nucleotide variant.
Coding change: c.367A>G on transcript NM_015627.3 (MANE Select); coding-DNA position 367, A replaced by G.
Protein change: p.Lys123Glu; replaces lysine 123 with glutamic acid.
Molecular consequence: missense variant.
Genome position (GRCh38, 1-based): chr1:25,557,175, A>G. VCF-style: chr1-25557175-A-G. GRCh37 (hg19) VCF-style: chr1-25883666-A-G.
Other names: short protein forms K123E.
Identifiers: ClinVar variation 4540593 (VCV004540593.1).

ClinVar aggregate classification (germline): Uncertain significance (1 of 4 stars; one submission).

Conditions:
Familial hypercholesterolemia. Also called: Familial hypercholesterolaemia. Identifiers: MedGen C0020445, MONDO:0005439.

gnomAD v4.1: 1 of 1,614,166 alleles (0.000062%); highest among the groups gnomAD compares: Non-Finnish European, 0.000085%; no homozygotes.

Submission:

Cambridge Genomics Laboratory, East Genomic Laboratory Hub, NHS Genomic Medicine Service
Classification: Uncertain significance for Familial hypercholesterolaemia. Last evaluated: 2025-09-29. Review status: criteria provided, single submitter. Criteria: ACGS Best Practice Guidelines for Variant Classification in Rare Disease 2020. Collection method: clinical testing. Allele origin: germline. Affected: yes.
Comment: PM2,PP4